The following is an entry in ClinVar:

NM_000540.3(RYR1):c.13599G>A (p.Lys4533=)

Gene: RYR1 (ryanodine receptor 1; plus strand). Cytogenetic location: 19q13.2.
Variant type: single nucleotide variant.
Coding change: c.13599G>A on transcript NM_000540.3 (MANE Select); coding-DNA position 13599, G replaced by A.
Protein change: p.Lys4533=; no amino-acid change (lysine 4533 retained).
Molecular consequence: synonymous variant.
Genome position (GRCh38, 1-based): chr19:38,567,857, G>A. VCF-style: chr19-38567857-G-A. GRCh37 (hg19) VCF-style: chr19-39058497-G-A.
Other names: c.13584G>A, p.Lys4528= (NM_001042723.2).
Identifiers: ClinVar variation 1643231 (VCV001643231.13), dbSNP rs1218373877, ClinGen allele CA507244372.

ClinVar aggregate classification (germline): Conflicting classifications of pathogenicity. Review status: criteria provided, conflicting classifications (1 of 4 stars). 4 submissions from 4 submitters: Uncertain significance (1); Likely benign (3). Last evaluated 2026-02-01.

Conditions:
Malignant hyperthermia, susceptibility to, 1 (MHS1). Also called: RYR1-Related Malignant Hyperthermia Susceptibility; Malignant hyperthermia suceptibility 1; Anesthesia related hyperthermia; Malignant hyperpyrexia; Fulminating hyperpyrexia; Pharmacogenic myopathy. Identifiers: Orphanet 423, MedGen C2930980, MONDO:0007783, OMIM 145600.
RYR1-related disorder. Also called: RYR1-related condition; RYR1-related disorders. Identifiers: MedGen CN239331.

Allele frequency attached by ClinVar (database versions not stated): gnomAD exomes below 0.00001; gnomAD 0.00001; TOPMed 0.00001.
gnomAD v4.1: 2 of 1,613,944 alleles (0.00012%); highest among the groups gnomAD compares: Non-Finnish European, 0.00017%; no homozygotes.

Submissions (4):

CeGaT Center for Human Genetics Tuebingen
Classification: Uncertain significance. Last evaluated: 2026-02-01. Review status: criteria provided, single submitter. Criteria: CeGaT Center For Human Genetics Tuebingen Variant Classification Criteria Version 2. Collection method: clinical testing. Allele origin: germline. Affected: yes. Observed: 1 variant allele.
Comment: RYR1: PM2, BP4

All of Us Research Program, National Institutes of Health
Classification: Likely benign for Malignant hyperthermia, susceptibility to, 1. Last evaluated: 2023-11-09. Review status: criteria provided, single submitter. Criteria: ACMG Guidelines, 2015. Collection method: clinical testing. Allele origin: germline. Inheritance: Autosomal dominant inheritance. Observed: 4 variant alleles, 4 heterozygotes.
Comment: This variant is located in the RYR1 protein. To our knowledge, functional studies have not been reported for this variant. This variant has not been reported in individuals affected with RYR1-related disorders in the literature. This variant has not been identified in the general population by the Genome Aggregation Database (gnomAD). The available evidence is insufficient to determine the role of this variant in disease conclusively. Therefore, this variant is classified as a Variant of Uncertain Significance.

This study involves interpretation of variants in research participants for the purpose of population health screening. Participant phenotype was not available at the time of variant classification. Additional details can be found in publication PMID: 35346344, PMCID: PMC8962531

Labcorp Genetics (formerly Invitae), Labcorp
Classification: Likely benign for RYR1-related disorder. Last evaluated: 2023-11-05. Review status: criteria provided, single submitter. Criteria: Invitae Variant Classification Sherloc (09022015). Collection method: clinical testing. Allele origin: germline.

Color Diagnostics, LLC DBA Color Health
Classification: Likely benign for Malignant hyperthermia, susceptibility to, 1. Last evaluated: 2023-04-07. Review status: criteria provided, single submitter. Criteria: ACMG Guidelines, 2015. Collection method: clinical testing. Allele origin: germline.